The following is an entry in ClinVar:

ClinVar aggregate classification (germline): Pathogenic. Review status: criteria provided, multiple submitters, no conflicts (2 of 4 stars). 2 submissions from 2 submitters: Pathogenic (2). Last evaluated 2026-01-14.

Conditions:
Familial adenomatous polyposis 1 (FAP1). Also called: POLYPOSIS, ADENOMATOUS INTESTINAL; FAMILIAL ADENOMATOUS POLYPOSIS 1, ATTENUATED. Identifiers: MedGen C2713442, MONDO:0021056, OMIM 175100. Disease mechanism: loss of function.

Submissions (2):

Labcorp Genetics (formerly Invitae), Labcorp
Classification: Pathogenic for Familial adenomatous polyposis 1. Last evaluated: 2026-01-14. Review status: criteria provided, single submitter. Criteria: Invitae Variant Classification Sherloc (09022015). Collection method: clinical testing. Allele origin: germline.
Comment: This sequence change creates a premature translational stop signal (p.Asp990Glufs*15) in the APC gene. While this is not anticipated to result in nonsense mediated decay, it is expected to disrupt the last 1854 amino acid(s) of the APC protein. This variant is not present in population databases (gnomAD no frequency). This variant has not been reported in the literature in individuals affected with APC-related conditions. This variant is expected to disrupt the EB1 and HDLG binding sites, which mediate interactions with the cytoskeleton (PMID: 15311282, 17293347). While functional studies have not been performed to directly test the effect on APC protein function, this suggests that disruption of the C-terminal portion of the protein is functionally important. ClinVar contains an entry for this variant (Variation ID: 2583575). A different truncation (p.Tyr2645Lysfs*14) that lies downstream of this variant has been determined to be pathogenic (PMID: 9824584, 1316610, 27081525, 8381579, 22135120, internal data). This suggests that deletion of this region of the APC protein is causative of disease. For these reasons, this variant has been classified as Pathogenic.

Myriad Genetics, Inc.
Classification: Pathogenic for Familial adenomatous polyposis 1. Last evaluated: 2023-05-05. Review status: criteria provided, single submitter. Criteria: Myriad Autosomal Dominant, Autosomal Recessive and X-Linked Classification Criteria (2023). Collection method: clinical testing. Allele origin: unknown.
Comment: This variant is considered pathogenic. This variant creates a frameshift predicted to result in premature protein truncation.

Literature cited by the submitters: PubMed 15311282 (cited by Labcorp Genetics (formerly Invitae), Labcorp); PubMed 17293347 (cited by Labcorp Genetics (formerly Invitae), Labcorp); PubMed 9824584 (cited by Labcorp Genetics (formerly Invitae), Labcorp); PubMed 1316610 (cited by Labcorp Genetics (formerly Invitae), Labcorp); PubMed 27081525 (cited by Labcorp Genetics (formerly Invitae), Labcorp); PubMed 8381579 (cited by Labcorp Genetics (formerly Invitae), Labcorp); PubMed 22135120 (cited by Labcorp Genetics (formerly Invitae), Labcorp).

NM_000038.6(APC):c.2970del (p.Asp990fs)

Gene: APC (APC regulator of Wnt signaling pathway; plus strand). Cytogenetic location: 5q22.2.
Variant type: Deletion.
Coding change: c.2970del on transcript NM_000038.6 (MANE Select); coding-DNA position 2970, one base deleted (T; older notation c.2970delT).
Protein change: p.Asp990fs; shifts the reading frame from aspartic acid 990.
Molecular consequence: frameshift variant. On other transcripts: non-coding transcript variant (2).
Genome position (GRCh38, 1-based): chr5:112,838,564, T deleted. VCF-style (leftmost placement, unchanged base first): chr5-112838563-AT-A. GRCh37 (hg19) VCF-style: chr5-112174260-AT-A.
Other names: c.2970del, p.Asp990fs (NM_001127510.3, NM_001354895.2, NM_001407450.1); c.2916del, p.Asp972fs (NM_001127511.3); c.3024del, p.Asp1008fs (NM_001354896.2, NM_001407447.1, NM_001407448.1 and 1 more transcripts); c.3000del, p.Asp1000fs (NM_001354897.2); c.2895del, p.Asp965fs (NM_001354898.2); c.2886del, p.Asp962fs (NM_001354899.2); c.2847del, p.Asp949fs (NM_001354900.2); c.2793del, p.Asp931fs (NM_001354901.2, NM_001407453.1); and 11 more; short protein forms D1000fs, D1008fs, D1018fs, D606fs, D707fs, D830fs, D861fs, D864fs.
Identifiers: ClinVar variation 2583575 (VCV002583575.2), dbSNP rs2533462694, ClinGen allele CA2582341468.